The following is an entry in ClinVar:

ClinVar aggregate classification (germline): Uncertain significance (1 of 4 stars; one submission).

Allele frequency attached by ClinVar (database versions not stated): gnomAD 0.00003.
gnomAD v4.1: 13 of 1,613,842 alleles (0.00081%); highest among the groups gnomAD compares: African/African-American, 0.0067%; no homozygotes.

Submission:

Labcorp Genetics (formerly Invitae), Labcorp
Classification: Uncertain significance. Last evaluated: 2023-05-25. Review status: criteria provided, single submitter. Criteria: Invitae Variant Classification Sherloc (09022015). Collection method: clinical testing. Allele origin: germline.
Comment: In summary, the available evidence is currently insufficient to determine the role of this variant in disease. Therefore, it has been classified as a Variant of Uncertain Significance. Advanced modeling of protein sequence and biophysical properties (such as structural, functional, and spatial information, amino acid conservation, physicochemical variation, residue mobility, and thermodynamic stability) performed at Invitae indicates that this missense variant is not expected to disrupt CACNA1G protein function. ClinVar contains an entry for this variant (Variation ID: 2043688). This variant has not been reported in the literature in individuals affected with CACNA1G-related conditions. This variant is present in population databases (rs552001827, gnomAD 0.004%). This sequence change replaces asparagine, which is neutral and polar, with lysine, which is basic and polar, at codon 2203 of the CACNA1G protein (p.Asn2203Lys).

NM_018896.5(CACNA1G):c.6609C>A (p.Asn2203Lys)

Gene: CACNA1G (calcium voltage-gated channel subunit alpha1 G; plus strand). Cytogenetic location: 17q21.33.
Variant type: single nucleotide variant.
Coding change: c.6609C>A on transcript NM_018896.5 (MANE Select); coding-DNA position 6609, C replaced by A.
Protein change: p.Asn2203Lys; replaces asparagine 2203 with lysine.
Molecular consequence: missense variant. On other transcripts: non-coding transcript variant (5), intron variant (3).
Genome position (GRCh38, 1-based): chr17:50,626,226, C>A. VCF-style: chr17-50626226-C-A. GRCh37 (hg19) VCF-style: chr17-48703587-C-A.
Other names: c.6420C>A, p.Asn2140Lys (NM_001256324.2); c.6351C>A, p.Asn2117Lys (NM_001256325.2); c.6339C>A, p.Asn2113Lys (NM_001256326.2); c.6309C>A, p.Asn2103Lys (NM_001256327.2); c.6255C>A, p.Asn2085Lys (NM_001256328.2); c.6228C>A, p.Asn2076Lys (NM_001256329.2, NM_198387.3); c.6195C>A, p.Asn2065Lys (NM_001256330.2); c.6174C>A, p.Asn2058Lys (NM_001256331.2); and 18 more; short protein forms N2053K, N2087K, N2140K, N2147K, N2192K, N2072K, N2074K, N2099K.
Identifiers: ClinVar variation 2043688 (VCV002043688.4), dbSNP rs552001827, ClinGen allele CA8653695.